The following is an entry in ClinVar:

ClinVar aggregate classification (germline): Conflicting classifications of pathogenicity. Review status: criteria provided, conflicting classifications (1 of 4 stars). 3 submissions from 3 submitters: Uncertain significance (2); Likely benign (1). Last evaluated 2024-10-30.

Allele frequency attached by ClinVar (database versions not stated): ExAC below 0.00001; gnomAD exomes below 0.00001; TOPMed 0.00002; gnomAD 0.00003.
gnomAD v4.1: 6 of 1,209,702 alleles (0.0005%); highest among the groups gnomAD compares: Admixed American, 0.0044%; no homozygotes.

Submissions (3):

Blueprint Genetics
Classification: Likely benign. Last evaluated: 2024-10-30. Review status: criteria provided, single submitter. Criteria: ACMG Guidelines, 2015. Collection method: clinical testing. Allele origin: germline.

Labcorp Genetics (formerly Invitae), Labcorp
Classification: Uncertain significance. Last evaluated: 2024-10-16. Review status: criteria provided, single submitter. Criteria: Invitae Variant Classification Sherloc (09022015). Collection method: clinical testing. Allele origin: germline.
Comment: This sequence change replaces glutamine, which is neutral and polar, with arginine, which is basic and polar, at codon 859 of the NEXMIF protein (p.Gln859Arg). This variant is not present in population databases (gnomAD no frequency). This variant has not been reported in the literature in individuals affected with NEXMIF-related conditions. ClinVar contains an entry for this variant (Variation ID: 968141). An algorithm developed to predict the effect of missense changes on protein structure and function (PolyPhen-2) suggests that this variant is likely to be disruptive. In summary, the available evidence is currently insufficient to determine the role of this variant in disease. Therefore, it has been classified as a Variant of Uncertain Significance.

GeneDx
Classification: Uncertain significance. Last evaluated: 2020-02-06. Review status: criteria provided, single submitter. Criteria: GeneDx Variant Classification Process June 2021. Collection method: clinical testing. Allele origin: germline. Affected: yes.
Comment: In silico analysis supports that this missense variant does not alter protein structure/function; Has not been previously published as pathogenic or benign to our knowledge

NM_001008537.3(NEXMIF):c.2576A>G (p.Gln859Arg)

Gene: NEXMIF (neurite extension and migration factor; minus strand). Cytogenetic location: Xq13.3.
Variant type: single nucleotide variant.
Coding change: c.2576A>G on transcript NM_001008537.3 (MANE Select); coding-DNA position 2576, A replaced by G.
Protein change: p.Gln859Arg; replaces glutamine 859 with arginine.
Molecular consequence: missense variant.
Genome position (GRCh38, 1-based): chrX:74,741,981, T>C on the plus strand (A>G on the coding strand, the complement: NEXMIF is on the minus strand). VCF-style: chrX-74741981-T-C. GRCh37 (hg19) VCF-style: chrX-73961816-T-C.
Other names: short protein forms Q859R.
Identifiers: ClinVar variation 968141 (VCV000968141.12), dbSNP rs747672466, ClinGen allele CA10455029.
Genomic context (GRCh38, chrX:74,741,981, plus strand): 5'-TTGAAGTTATGAGATGACTGCTGCAGCTCAGAGTCAGAGGATGAGGTGAGCACACAGTCC[T>C]GGGTAGGCTGGAGGGGTACAAATGATTTTTCGGTTTGAGTGAGGCTGCCTTCATTTTGCT-3'
Protein context (NP_001008537.1, residues 849-869): EKSFVPLQPT[Gln859Arg]DCVLTSSSDS